The following is an entry in ClinVar:

NM_025137.4(SPG11):c.5452del (p.Thr1818fs)

Gene: SPG11 (SPG11 vesicle trafficking associated, spatacsin; minus strand). Cytogenetic location: 15q21.1.
Variant type: Deletion.
Coding change: c.5452del on transcript NM_025137.4 (MANE Select); coding-DNA position 5452, one base deleted (A; older notation c.5452delA).
Protein change: p.Thr1818fs; shifts the reading frame from threonine 1818.
Molecular consequence: frameshift variant.
Genome position (GRCh38, 1-based): chr15:44,584,228, T deleted on the plus strand (A on the coding strand, the reverse complement: SPG11 is on the minus strand); the first of 3 consecutive T bases (chr15:44,584,228-44,584,230); deleting any one gives the same sequence. VCF-style (leftmost placement, unchanged base first): chr15-44584227-GT-G. GRCh37 (hg19) VCF-style: chr15-44876425-GT-G.
Other names: c.5452del, p.Thr1818fs (NM_001160227.2); c.5308del, p.Thr1770fs (NM_001411132.1); short protein forms T1770fs, T1818fs.
Identifiers: ClinVar variation 3689524 (VCV003689524.2).

ClinVar aggregate classification (germline): Pathogenic (1 of 4 stars; one submission).

Conditions:
Hereditary spastic paraplegia 11. Also called: Spastic paraplegia, mental retardation and thin corpus callosum; SPASTIC PARAPLEGIA, AUTOSOMAL RECESSIVE, COMPLICATED, WITH THIN CORPUS CALLOSUM; SPASTIC PARAPLEGIA, AUTOSOMAL RECESSIVE, WITH MENTAL IMPAIRMENT AND THIN CORPUS CALLOSUM; Spastic Paraplegia 11; Nakamura Osame syndrome; Autosomal recessive hereditary spastic paraplegia, mental impairment, and thin corpus callosum. Identifiers: Orphanet 2822, MedGen C1858479, MONDO:0011445, OMIM 604360.

Submission:

Labcorp Genetics (formerly Invitae), Labcorp
Classification: Pathogenic for Hereditary spastic paraplegia 11. Last evaluated: 2024-02-06. Review status: criteria provided, single submitter. Criteria: Invitae Variant Classification Sherloc (09022015). Collection method: clinical testing. Allele origin: germline.
Comment: This sequence change creates a premature translational stop signal (p.Thr1818Glnfs*20) in the SPG11 gene. It is expected to result in an absent or disrupted protein product. Loss-of-function variants in SPG11 are known to be pathogenic (PMID: 19105190, 20110243, 22154821, 26556829). This variant is not present in population databases (gnomAD no frequency). This variant has not been reported in the literature in individuals affected with SPG11-related conditions. For these reasons, this variant has been classified as Pathogenic.

Literature cited by the submitters: PubMed 19105190; PubMed 20110243; PubMed 22154821; PubMed 26556829.